The following is an entry in ClinVar:

NM_000138.5(FBN1):c.1322C>T (p.Pro441Leu)

Gene: FBN1 (fibrillin 1; minus strand). Cytogenetic location: 15q21.1.
Variant type: single nucleotide variant.
Coding change: c.1322C>T on transcript NM_000138.5 (MANE Select); coding-DNA position 1322, C replaced by T.
Protein change: p.Pro441Leu; replaces proline 441 with leucine.
Molecular consequence: missense variant.
Genome position (GRCh38, 1-based): chr15:48,516,188, G>A on the plus strand (C>T on the coding strand, the complement: FBN1 is on the minus strand). VCF-style: chr15-48516188-G-A. GRCh37 (hg19) VCF-style: chr15-48808385-G-A.
Other names: c.1322C>T, p.Pro441Leu (NM_001406716.1); short protein forms P441L.
Identifiers: ClinVar variation 2631438 (VCV002631438.4), dbSNP rs2505619272, ClinGen allele CA392345125.

ClinVar aggregate classification (germline): Uncertain significance. Review status: criteria provided, multiple submitters, no conflicts (2 of 4 stars). 2 submissions from 2 submitters: Uncertain significance (2). Last evaluated 2023-12-06.

Conditions:
Familial thoracic aortic aneurysm and aortic dissection (TAAD). Also called: Thoracic aortic aneurysms and dissections. Identifiers: Orphanet 91387, MedGen C4707243, MONDO:0019625.
Marfan syndrome (MFS). Also called: MARFAN SYNDROME, TYPE I; Marfan syndrome type 1; Marfan's syndrome; Marfan syndrome, classic; FBN1-Related Marfan Syndrome. Identifiers: Orphanet 284963, Orphanet 558, MedGen C0024796, MONDO:0007947, OMIM 154700.
FBN1-related disorder. Also called: FBN1-related disorders.

gnomAD v4.1: 1 of 1,613,712 alleles (0.000062%); highest among the groups gnomAD compares: Non-Finnish European, 0.000085%; no homozygotes.

Submissions (2):

Labcorp Genetics (formerly Invitae), Labcorp
Classification: Uncertain significance for Marfan syndrome; Familial thoracic aortic aneurysm and aortic dissection. Last evaluated: 2023-12-06. Review status: criteria provided, single submitter. Criteria: Invitae Variant Classification Sherloc (09022015). Collection method: clinical testing. Allele origin: germline.
Comment: This sequence change replaces proline, which is neutral and non-polar, with leucine, which is neutral and non-polar, at codon 441 of the FBN1 protein (p.Pro441Leu). This variant is not present in population databases (gnomAD no frequency). This variant has not been reported in the literature in individuals affected with FBN1-related conditions. Advanced modeling of protein sequence and biophysical properties (such as structural, functional, and spatial information, amino acid conservation, physicochemical variation, residue mobility, and thermodynamic stability) has been performed at Invitae for this missense variant, however the output from this modeling did not meet the statistical confidence thresholds required to predict the impact of this variant on FBN1 protein function. In summary, the available evidence is currently insufficient to determine the role of this variant in disease. Therefore, it has been classified as a Variant of Uncertain Significance.

PreventionGenetics, part of Exact Sciences
Classification: Uncertain significance for FBN1-related condition. Last evaluated: 2023-08-10. Review status: criteria provided, single submitter. Criteria: ACMG Guidelines, 2015. Collection method: clinical testing. Allele origin: germline.
Comment: The FBN1 c.1322C>T variant is predicted to result in the amino acid substitution p.Pro441Leu. To our knowledge, this variant has not been reported in the literature or in a large population database, indicating this variant is rare. At this time, the clinical significance of this variant is uncertain due to the absence of conclusive functional and genetic evidence.